The following is an entry in ClinVar:

NM_000701.8(ATP1A1):c.396G>A (p.Leu132=)

Gene: ATP1A1 (ATPase Na+/K+ transporting subunit alpha 1; plus strand). Cytogenetic location: 1p13.1.
Variant type: single nucleotide variant.
Coding change: c.396G>A on transcript NM_000701.8 (MANE Select); coding-DNA position 396, G replaced by A.
Protein change: p.Leu132=; no amino-acid change (leucine 132 retained).
Molecular consequence: synonymous variant.
Genome position (GRCh38, 1-based): chr1:116,388,139, G>A. VCF-style: chr1-116388139-G-A. GRCh37 (hg19) VCF-style: chr1-116930761-G-A.
Other names: c.396G>A, p.Leu132= (NM_001160233.2); c.303G>A, p.Leu101= (NM_001160234.2).
Identifiers: ClinVar variation 1349856 (VCV001349856.6), dbSNP rs1652219980, ClinGen allele CA419969526.

ClinVar aggregate classification (germline): Uncertain significance (1 of 4 stars; one submission).

Allele frequency attached by ClinVar (database versions not stated): TOPMed below 0.00001.
gnomAD v4.1: 2 of 1,612,698 alleles (0.00012%); no homozygotes.

Submission:

Labcorp Genetics (formerly Invitae), Labcorp
Classification: Uncertain significance. Last evaluated: 2021-10-16. Review status: criteria provided, single submitter. Criteria: Invitae Variant Classification Sherloc (09022015). Collection method: clinical testing. Allele origin: germline.
Comment: In summary, the available evidence is currently insufficient to determine the role of this variant in disease. Therefore, it has been classified as a Variant of Uncertain Significance. Algorithms developed to predict the effect of sequence changes on RNA splicing suggest that this variant may create or strengthen a splice site. This variant has not been reported in the literature in individuals affected with ATP1A1-related conditions. This variant is not present in population databases (ExAC no frequency). This sequence change affects codon 132 of the ATP1A1 mRNA. It is a 'silent' change, meaning that it does not change the encoded amino acid sequence of the ATP1A1 protein.